The following is an entry in ClinVar:

ClinVar aggregate classification (germline): Benign/Likely benign. Review status: criteria provided, multiple submitters, no conflicts (2 of 4 stars). 3 submissions from 3 submitters: Benign (1); Likely benign (2). Last evaluated 2026-01-11.

Conditions:
Hereditary cancer-predisposing syndrome. Also called: Hereditary neoplastic syndrome; Neoplastic Syndromes, Hereditary; Tumor predisposition; Hereditary Cancer Syndrome. Identifiers: Orphanet 140162, MedGen C0027672, MeSH D009386, MONDO:0015356.
Oligodontia-cancer predisposition syndrome. Also called: TOOTH AGENESIS-COLORECTAL CANCER SYNDROME. Identifiers: Orphanet 300576, MedGen C1837750, MONDO:0012075, OMIM 608615. Disease mechanism: loss of function.

Allele frequency attached by ClinVar (database versions not stated): gnomAD 0.00001.
gnomAD v4.1: 10 of 1,611,338 alleles (0.00062%); highest among the groups gnomAD compares: East Asian, 0.0022%; no homozygotes.

Submissions (3):

Labcorp Genetics (formerly Invitae), Labcorp
Classification: Likely benign for Oligodontia-cancer predisposition syndrome. Last evaluated: 2026-01-11. Review status: criteria provided, single submitter. Criteria: Invitae Variant Classification Sherloc (09022015). Collection method: clinical testing. Allele origin: germline.

Myriad Genetics, Inc.
Classification: Benign for Oligodontia-cancer predisposition syndrome. Last evaluated: 2024-06-28. Review status: criteria provided, single submitter. Criteria: Myriad Autosomal Dominant, Autosomal Recessive and X-Linked Classification Criteria (2023). Collection method: clinical testing. Allele origin: unknown.
Comment: This variant is considered benign. This variant is a silent/synonymous amino acid change and it is not expected to impact splicing.

Ambry Genetics
Classification: Likely benign for Hereditary cancer-predisposing syndrome. Last evaluated: 2019-10-24. Review status: criteria provided, single submitter. Criteria: Ambry Variant Classification Scheme 2023. Collection method: clinical testing. Allele origin: germline.

NM_004655.4(AXIN2):c.918G>A (p.Ala306=)

Gene: AXIN2 (axin 2; minus strand). Cytogenetic location: 17q24.1.
Variant type: single nucleotide variant.
Coding change: c.918G>A on transcript NM_004655.4 (MANE Select); coding-DNA position 918, G replaced by A.
Protein change: p.Ala306=; no amino-acid change (alanine 306 retained).
Molecular consequence: synonymous variant.
Genome position (GRCh38, 1-based): chr17:65,549,558, C>T on the plus strand (G>A on the coding strand, the complement: AXIN2 is on the minus strand). VCF-style: chr17-65549558-C-T. GRCh37 (hg19) VCF-style: chr17-63545676-C-T.
Other names: c.918G>A (LRG_296t1); c.918G>A, p.Ala306= (NM_001363813.1).
Identifiers: ClinVar variation 533268 (VCV000533268.17), dbSNP rs746140442, ClinGen allele CA8718944.